The following is an entry in ClinVar:

NM_000140.5(FECH):c.67+4A>G

Genes: FECH (ferrochelatase; minus strand), LOC130062560 (ATAC-STARR-seq lymphoblastoid silent region 9481; plus strand). Cytogenetic location: 18q21.31.
Variant type: single nucleotide variant.
Coding change: c.67+4A>G on transcript NM_000140.5 (MANE Select); 4 bases into the intron after coding-DNA position 67, A replaced by G.
Molecular consequence: intron variant.
Genome position (GRCh38, 1-based): chr18:57,586,550, T>C on the plus strand (A>G on the coding strand, the complement: FECH is on the minus strand). VCF-style: chr18-57586550-T-C. GRCh37 (hg19) VCF-style: chr18-55253782-T-C.
Other names: p.?; c.67+4A>G (NM_000140.3, NM_000140.4, NM_001371094.1 and 2 more transcripts); c.-260+4A>G (NM_001371095.1).
Identifiers: ClinVar variation 2972887 (VCV002972887.5), dbSNP rs2511557840, ClinGen allele CA2641944910.

ClinVar aggregate classification (germline): Conflicting classifications of pathogenicity. Review status: criteria provided, conflicting classifications (1 of 4 stars). 3 submissions from 3 submitters: Likely pathogenic (1); Uncertain significance (2). Last evaluated 2025-08-27.

Conditions:
FECH-related disorder. Also called: FECH-related condition.

Submissions (3):

PreventionGenetics, part of Exact Sciences
Classification: Likely pathogenic for FECH-related condition. Last evaluated: 2025-08-27. Review status: criteria provided, single submitter. Criteria: ACMG Guidelines, 2015. Collection method: clinical testing. Allele origin: germline.
Comment: The FECH c.67+4A>G variant is predicted to interfere with splicing. This variant was reported in one individual with erythropoietic protoporphyria, however, pathogenicity was not confirmed (Weiss et al 2019. PubMed ID: 30454868). This variant has not been reported in a large population database (gnomAD), indicating this variant is rare. The c.67+4A>G variant is predicted to alter splicing based on available splicing prediction programs (SpliceAI, Jaganathan et al. 2019. PubMed ID: 30661751). This variant is interpreted as likely pathogenic.

Mayo Clinic Laboratories, Mayo Clinic
Classification: Uncertain significance. Last evaluated: 2024-06-20. Review status: criteria provided, single submitter. Criteria: ACMG Guidelines, 2015. Collection method: clinical testing. Allele origin: germline. Observed: 1 variant allele.
Comment: PP3, PP4, PM2, PM3

Labcorp Genetics (formerly Invitae), Labcorp
Classification: Uncertain significance. Last evaluated: 2024-03-15. Review status: criteria provided, single submitter. Criteria: Invitae Variant Classification Sherloc (09022015). Collection method: clinical testing. Allele origin: germline.
Comment: This sequence change falls in intron 1 of the FECH gene. It does not directly change the encoded amino acid sequence of the FECH protein. It affects a nucleotide within the consensus splice site. This variant is not present in population databases (gnomAD no frequency). This variant has been observed in individuals with erythropoietic protoporphyria and/or FECH-related conditions (PMID: 30454868; Invitae). Variants that disrupt the consensus splice site are a relatively common cause of aberrant splicing (PMID: 17576681, 9536098). Algorithms developed to predict the effect of sequence changes on RNA splicing suggest that this variant may disrupt the consensus splice site. In summary, the available evidence is currently insufficient to determine the role of this variant in disease. Therefore, it has been classified as a Variant of Uncertain Significance.

Literature cited by the submitters: PubMed 30454868 (cited by Mayo Clinic Laboratories, Mayo Clinic and Labcorp Genetics (formerly Invitae), Labcorp); PubMed 17576681 (cited by Labcorp Genetics (formerly Invitae), Labcorp); PubMed 9536098 (cited by Labcorp Genetics (formerly Invitae), Labcorp).